The following is an entry in ClinVar:

NM_000059.4(BRCA2):c.6580A>G (p.Ile2194Val)

Gene: BRCA2 (BRCA2 DNA repair associated; plus strand). Cytogenetic location: 13q13.1.
Variant type: single nucleotide variant.
Coding change: c.6580A>G on transcript NM_000059.4 (MANE Select); coding-DNA position 6580, A replaced by G.
Protein change: p.Ile2194Val; replaces isoleucine 2194 with valine.
Molecular consequence: missense variant.
Genome position (GRCh38, 1-based): chr13:32,340,935, A>G. VCF-style: chr13-32340935-A-G. GRCh37 (hg19) VCF-style: chr13-32915072-A-G.
Other names: short protein forms I2194V.
Identifiers: ClinVar variation 1034987 (VCV001034987.13), dbSNP rs1566234950, ClinGen allele CA387789964.
Genomic context (GRCh38, chr13:32,340,935, plus strand): 5'-GTTGAGAACATTCATGTTTTGGGAAAAGAACAGGCTTCACCTAAAAACGTAAAAATGGAA[A>G]TTGGTAAAACTGAAACTTTTTCTGATGTTCCTGTGAAAACAAATATAGAAGTTTGTTCTA-3'
Protein context (NP_000050.3, residues 2184-2204): QASPKNVKME[Ile2194Val]GKTETFSDVP

ClinVar aggregate classification (germline): Conflicting classifications of pathogenicity. Review status: criteria provided, conflicting classifications (1 of 4 stars). 2 submissions from 2 submitters: Uncertain significance (1); Likely benign (1). Last evaluated 2023-03-23.

Conditions:
Hereditary cancer-predisposing syndrome. Also called: Hereditary neoplastic syndrome; Neoplastic Syndromes, Hereditary; Tumor predisposition; Hereditary Cancer Syndrome. Identifiers: Orphanet 140162, MedGen C0027672, MeSH D009386, MONDO:0015356.
Hereditary breast ovarian cancer syndrome. Also called: Hereditary breast and ovarian cancer syndrome; Hereditary breast and/or ovarian cancer syndrome; Hereditary breast and ovarian cancer; Hereditary breast and ovarian cancer syndrome (HBOC); Breast and ovarian cancer; BRCA1- and BRCA2-Associated Hereditary Breast and Ovarian Cancer. Identifiers: Orphanet 145, MedGen C0677776, MeSH D061325, MONDO:0003582. Disease mechanism: loss of function.

Allele frequency attached by ClinVar (database versions not stated): gnomAD exomes below 0.00001.
gnomAD v4.1: 1 of 1,610,560 alleles (0.000062%); highest among the groups gnomAD compares: Non-Finnish European, 0.000085%; no homozygotes.

Submissions (2):

University of Washington Department of Laboratory Medicine, University of Washington
Classification: Likely benign for Hereditary cancer-predisposing syndrome. Last evaluated: 2023-03-23. Review status: criteria provided, single submitter. Criteria: Dines et al. (Genet Med. 2020). Collection method: curation. Allele origin: germline.
Comment: Missense variant in a coldspot region where missense variants are very unlikely to be pathogenic (PMID:31911673).

BRCA2 exon 11 coldspot. Reclassification based on statistical prior probability.

Labcorp Genetics (formerly Invitae), Labcorp
Classification: Uncertain significance for Hereditary breast ovarian cancer syndrome. Last evaluated: 2021-06-29. Review status: criteria provided, single submitter. Criteria: Invitae Variant Classification Sherloc (09022015). Collection method: clinical testing. Allele origin: germline.
Comment: This sequence change replaces isoleucine with valine at codon 2194 of the BRCA2 protein (p.Ile2194Val). The isoleucine residue is weakly conserved and there is a small physicochemical difference between isoleucine and valine. This variant is not present in population databases (ExAC no frequency). This variant has not been reported in the literature in individuals with BRCA2-related conditions. Algorithms developed to predict the effect of missense changes on protein structure and function are either unavailable or do not agree on the potential impact of this missense change (SIFT: "Tolerated"; PolyPhen-2: "Possibly Damaging"; Align-GVGD: "Class C0"). In summary, the available evidence is currently insufficient to determine the role of this variant in disease. Therefore, it has been classified as a Variant of Uncertain Significance.